The following is an entry in ClinVar:

ClinVar aggregate classification (germline): Pathogenic (1 of 4 stars; one submission).

Conditions:
Fanconi anemia (FA). Also called: Fanconi's anemia. Identifiers: Orphanet 84, MedGen C0015625, MeSH D005199, MONDO:0019391.

Submission:

Labcorp Genetics (formerly Invitae), Labcorp
Classification: Pathogenic for Fanconi anemia. Last evaluated: 2022-11-20. Review status: criteria provided, single submitter. Criteria: Invitae Variant Classification Sherloc (09022015). Collection method: clinical testing. Allele origin: germline.
Comment: For these reasons, this variant has been classified as Pathogenic. This sequence change creates a premature translational stop signal (p.Phe963Leufs*5) in the FANCA gene. It is expected to result in an absent or disrupted protein product. Loss-of-function variants in FANCA are known to be pathogenic (PMID: 19367192). This variant is not present in population databases (gnomAD no frequency). This variant has not been reported in the literature in individuals affected with FANCA-related conditions.

Literature cited by the submitters: PubMed 19367192.

NM_000135.4(FANCA):c.2885_2888dup (p.Phe963fs)

Gene: FANCA (FA complementation group A; minus strand). Cytogenetic location: 16q24.3.
Variant type: Duplication.
Coding change: c.2885_2888dup on transcript NM_000135.4 (MANE Select); coding-DNA positions 2885 to 2888, 4 bases duplicated (ACTT; older notation c.2885_2888dupACTT).
Protein change: p.Phe963fs; shifts the reading frame from phenylalanine 963.
Molecular consequence: frameshift variant.
Genome position (GRCh38, 1-based): chr16:89,758,670-89,758,673, AAGT duplicated on the plus strand (ACTT on the coding strand, the reverse complement: FANCA is on the minus strand). VCF-style (leftmost placement, unchanged base first): chr16-89758669-A-AAAGT. GRCh37 (hg19) VCF-style: chr16-89825077-A-AAAGT.
Other names: c.2885_2888dup, p.Phe963fs (NM_001286167.3); short protein forms F963fs.
Identifiers: ClinVar variation 2815416 (VCV002815416.3), dbSNP rs2544156945, ClinGen allele CA2739266997.